The following is an entry in ClinVar:

ClinVar aggregate classification (germline): Likely benign. Review status: criteria provided, multiple submitters, no conflicts (2 of 4 stars). 2 submissions from 2 submitters: Likely benign (2). Last evaluated 2023-08-15.

Conditions:
Multiple endocrine neoplasia, type 1 (MEN1). Also called: MEN I; WERMER SYNDROME; Endocrine adenomatosis multiple; MEN 1; MEA I. Identifiers: Orphanet 652, MedGen C0025267, MeSH D018761, MONDO:0007540, OMIM 131100.

Submissions (2):

All of Us Research Program, National Institutes of Health
Classification: Likely benign for Multiple endocrine neoplasia, type 1. Last evaluated: 2023-08-15. Review status: criteria provided, single submitter. Criteria: ACMG Guidelines, 2015. Collection method: clinical testing. Allele origin: germline. Inheritance: Autosomal dominant inheritance. Observed: 1 variant allele, 1 heterozygote.
Comment: This study involves interpretation of variants in research participants for the purpose of population health screening. Participant phenotype was not available at the time of variant classification. Additional details can be found in publication PMID: 35346344, PMCID: PMC8962531

Color Diagnostics, LLC DBA Color Health
Classification: Likely benign for Multiple endocrine neoplasia, type 1. Last evaluated: 2023-07-26. Review status: criteria provided, single submitter. Criteria: ACMG Guidelines, 2015. Collection method: clinical testing. Allele origin: germline.

NM_001370259.2(MEN1):c.249G>C (p.Leu83=)

Gene: MEN1 (menin 1; minus strand). Cytogenetic location: 11q13.1.
Variant type: single nucleotide variant.
Coding change: c.249G>C on transcript NM_001370259.2 (MANE Select); coding-DNA position 249, G replaced by C.
Protein change: p.Leu83=; no amino-acid change (leucine 83 retained).
Molecular consequence: synonymous variant. On other transcripts: non-coding transcript variant (4).
Genome position (GRCh38, 1-based): chr11:64,809,861, C>G on the plus strand (G>C on the coding strand, the complement: MEN1 is on the minus strand). VCF-style: chr11-64809861-C-G. GRCh37 (hg19) VCF-style: chr11-64577333-C-G.
Other names: c.249G>C, p.Leu83= (NM_000244.4, NM_001370251.2, NM_001370260.2 and 20 more transcripts).
Identifiers: ClinVar variation 3072845 (VCV003072845.2), dbSNP rs386134252, ClinGen allele CA475163750.
Genomic context (GRCh38, chr11:64,809,861, plus strand): 5'-CAGGTCGACGGCGCCTCGGATCTGGGCGGTGAAGCGGGCATAGAGGGCGGCGATGATAGA[C>G]AGGTCGGCCACGGGAAAGTAGGTGAGGCCGCCAGGCGGGTCGGGGGCGGGGCTGGGCTGG-3'
Protein context (NP_001357188.2, residues 73-93): GGLTYFPVAD[Leu83=]SIIAALYARF